The following is an entry in ClinVar:

NM_001655.5(ARCN1):c.1292A>G (p.His431Arg)

Gene: ARCN1 (archain 1 coat protein complex I subunit delta; plus strand). Cytogenetic location: 11q23.3.
Variant type: single nucleotide variant.
Coding change: c.1292A>G on transcript NM_001655.5 (MANE Select); coding-DNA position 1292, A replaced by G.
Protein change: p.His431Arg; replaces histidine 431 with arginine.
Molecular consequence: missense variant.
Genome position (GRCh38, 1-based): chr11:118,597,757, A>G. VCF-style: chr11-118597757-A-G. GRCh37 (hg19) VCF-style: chr11-118468472-A-G.
Other names: c.1292A>G (NM_001655.4); c.1028A>G, p.His343Arg (NM_001142281.2); short protein forms H343R, H431R.
Identifiers: ClinVar variation 1050548 (VCV001050548.15), dbSNP rs199564099, ClinGen allele CA6306277.

ClinVar aggregate classification (germline): Uncertain significance. Review status: criteria provided, multiple submitters, no conflicts (2 of 4 stars). 3 submissions from 3 submitters: Uncertain significance (2). 1 of the submissions does not count toward it. Last evaluated 2025-02-01.

Conditions:
Inborn genetic diseases. Identifiers: MedGen C0950123, MeSH D030342.

Allele frequency attached by ClinVar (database versions not stated): gnomAD exomes 0.00001; ExAC 0.00002; TOPMed 0.00005; gnomAD 0.00007; ESP Exome Variant Server 0.00008.
gnomAD v4.1: 66 of 1,614,100 alleles (0.0041%); highest among the groups gnomAD compares: Non-Finnish European, 0.0052%; no homozygotes.

Submissions (3):

CeGaT Center for Human Genetics Tuebingen
Classification: Uncertain significance. Last evaluated: 2025-02-01. Review status: criteria provided, single submitter. Criteria: CeGaT Center For Human Genetics Tuebingen Variant Classification Criteria Version 2. Collection method: clinical testing. Allele origin: germline. Affected: yes. Observed: 1 variant allele.

Ambry Genetics
Classification: Uncertain significance for Inborn genetic diseases. Last evaluated: 2024-06-28. Review status: criteria provided, single submitter. Criteria: Ambry Variant Classification Scheme 2023. Collection method: clinical testing. Allele origin: germline.

Department of Pathology and Laboratory Medicine, Sinai Health System
Classification: Uncertain significance. Review status: no assertion criteria provided. Collection method: clinical testing. Allele origin: unknown. Affected: yes. Study: The Canadian Open Genetics Repository (COGR). Not counted in ClinVar's aggregate classification.
Comment: The ARCN1 p.His431Arg variant was identified in dbSNP (ID: rs199564099) but not identified in ClinVar, Cosmic, LOVD 3.0 or in the literature. The variant was identified in control databases in 6 of 282874 chromosomes at a frequency of 0.000021 (Genome Aggregation Database March 6, 2019, v2.1.1). The variant was observed in the following populations: African in 1 of 24972 chromosomes (freq: 0.00004) and European (non-Finnish) in 5 of 129184 chromosomes (freq: 0.000039), but was not observed in the Latino, Ashkenazi Jewish, East Asian, European (Finnish), Other, or South Asian populations. The p.His431 residue is conserved in mammals, and computational analyses (PolyPhen-2, SIFT, AlignGVGD, BLOSUM, MutationTaster) provide inconsistent predictions regarding the impact to the protein; this information is not very predictive of pathogenicity. The variant occurs outside of the splicing consensus sequence and in silico or computational prediction software programs (SpliceSiteFinder, MaxEntScan, NNSPLICE, GeneSplicer) do not predict a difference in splicing. In summary, based on the above information the clinical significance of this variant cannot be determined with certainty at this time. This variant is classified as a variant of uncertain significance.